The following is an entry in ClinVar:

ClinVar aggregate classification (germline): Uncertain significance (1 of 4 stars; one submission).

Conditions:
Joubert syndrome 23 (JBTS23). Identifiers: Orphanet 475, MedGen C4084822, MONDO:0014664, OMIM 616490.
Short-rib thoracic dysplasia 14 with polydactyly (SRTD14). Identifiers: Orphanet 397715, MedGen C4225286, MONDO:0014688, OMIM 616546.

Submission:

Labcorp Genetics (formerly Invitae), Labcorp
Classification: Uncertain significance for Joubert syndrome 23; Short-rib thoracic dysplasia 14 with polydactyly. Last evaluated: 2022-08-21. Review status: criteria provided, single submitter. Criteria: Invitae Variant Classification Sherloc (09022015). Collection method: clinical testing. Allele origin: germline.
Comment: In summary, the available evidence is currently insufficient to determine the role of this variant in disease. Therefore, it has been classified as a Variant of Uncertain Significance. Algorithms developed to predict the effect of missense changes on protein structure and function output the following: SIFT: "Deleterious"; PolyPhen-2: "Benign"; Align-GVGD: "Class C0". The lysine amino acid residue is found in multiple mammalian species, which suggests that this missense change does not adversely affect protein function. This variant has not been reported in the literature in individuals affected with KIAA0586-related conditions. This variant is not present in population databases (gnomAD no frequency). This sequence change replaces glutamic acid, which is acidic and polar, with lysine, which is basic and polar, at codon 419 of the KIAA0586 protein (p.Glu419Lys).

NM_001329943.3(KIAA0586):c.1096G>A (p.Glu366Lys)

Gene: KIAA0586 (KIAA0586; plus strand). Cytogenetic location: 14q23.1.
Variant type: single nucleotide variant.
Coding change: c.1096G>A on transcript NM_001329943.3 (MANE Select); coding-DNA position 1096, G replaced by A.
Protein change: p.Glu366Lys; replaces glutamic acid 366 with lysine.
Molecular consequence: missense variant.
Genome position (GRCh38, 1-based): chr14:58,450,713, G>A. VCF-style: chr14-58450713-G-A. GRCh37 (hg19) VCF-style: chr14-58917431-G-A.
Other names: c.1255G>A, p.Glu419Lys (NM_001244189.2); c.1051G>A, p.Glu351Lys (NM_001244190.2); c.841G>A, p.Glu281Lys (NM_001244191.2, NM_001329945.2, NM_001364700.1 and 1 more transcripts); c.964G>A, p.Glu322Lys (NM_001244192.2); c.676G>A, p.Glu226Lys (NM_001244193.2); c.1096G>A, p.Glu366Lys (NM_001329944.2, NM_001329946.2, NM_001329947.2 and 1 more transcripts); short protein forms E226K, E281K, E322K, E351K, E366K, E419K.
Identifiers: ClinVar variation 1715832 (VCV001715832.5), dbSNP rs2542947586, ClinGen allele CA389865495.
Genomic context (GRCh38, chr14:58,450,713, plus strand): 5'-TTTGCTCCTGTACCTGTTTCAAGGGATGATGAACTATCAAAGAGGGAAAATCTTTTGGAA[G>A]AAAAAGAAAATATGGAAGTGTCGTGTCACAGAGGTAATAGAGACTTTTACTAGACCTATC-3'
Protein context (NP_001316872.1, residues 356-376): ELSKRENLLE[Glu366Lys]KENMEVSCHR